The following is an entry in ClinVar:

NM_173354.5(SIK1):c.1793G>C (p.Gly598Ala)

Gene: SIK1 (salt inducible kinase 1; minus strand). Cytogenetic location: 21q22.3.
Variant type: single nucleotide variant.
Coding change: c.1793G>C on transcript NM_173354.5 (MANE Select); coding-DNA position 1793, G replaced by C.
Protein change: p.Gly598Ala; replaces glycine 598 with alanine.
Molecular consequence: missense variant.
Genome position (GRCh38, 1-based): chr21:43,417,726, C>G on the plus strand (G>C on the coding strand, the complement: SIK1 is on the minus strand). VCF-style: chr21-43417726-C-G. GRCh37 (hg19) VCF-style: chr21-44837606-C-G.
Other names: c.1793G>C (NM_173354.3); short protein forms G598A.
Identifiers: ClinVar variation 1912697 (VCV001912697.6), dbSNP rs761165660, ClinGen allele CA321324963.

ClinVar aggregate classification (germline): Conflicting classifications of pathogenicity. Review status: criteria provided, conflicting classifications (1 of 4 stars). 2 submissions from 2 submitters: Uncertain significance (1); Likely benign (1). Last evaluated 2025-08-14.

Conditions:
Developmental and epileptic encephalopathy, 30 (DEE30). Also called: Epileptic encephalopathy, early infantile, 30. Identifiers: MedGen C4225360, MONDO:0014595, OMIM 616341.
Inborn genetic diseases. Identifiers: MedGen C0950123, MeSH D030342.

Submissions (2):

Ambry Genetics
Classification: Likely benign for Inborn genetic diseases. Last evaluated: 2025-08-14. Review status: criteria provided, single submitter. Criteria: Ambry Variant Classification Scheme 2023. Collection method: clinical testing. Allele origin: germline.

Labcorp Genetics (formerly Invitae), Labcorp
Classification: Uncertain significance for Developmental and epileptic encephalopathy, 30. Last evaluated: 2024-09-21. Review status: criteria provided, single submitter. Criteria: Invitae Variant Classification Sherloc (09022015). Collection method: clinical testing. Allele origin: germline.
Comment: This sequence change replaces glycine, which is neutral and non-polar, with alanine, which is neutral and non-polar, at codon 598 of the SIK1 protein (p.Gly598Ala). This variant is present in population databases (rs761165660, gnomAD 0.01%). This variant has not been reported in the literature in individuals affected with SIK1-related conditions. ClinVar contains an entry for this variant (Variation ID: 1912697). Invitae Evidence Modeling of protein sequence and biophysical properties (such as structural, functional, and spatial information, amino acid conservation, physicochemical variation, residue mobility, and thermodynamic stability) indicates that this missense variant is not expected to disrupt SIK1 protein function with a negative predictive value of 95%. In summary, the available evidence is currently insufficient to determine the role of this variant in disease. Therefore, it has been classified as a Variant of Uncertain Significance.